The following is an entry in ClinVar:

ClinVar aggregate classification (germline): Benign (1 of 4 stars; one submission).

Allele frequency attached by ClinVar (database versions not stated): 1000 Genomes Project 30x 0.22486; 1000 Genomes Project 0.22983; gnomAD 0.25262 and 0.25345; TOPMed 0.25759.
gnomAD v4.1: 38,724 of 151,920 alleles (25%); highest among the groups gnomAD compares: East Asian, 35%; 5,654 homozygotes.

Submission:

GeneDx
Classification: Benign. Last evaluated: 2018-06-18. Review status: criteria provided, single submitter. Criteria: GeneDx Variant Classification (06012015). Collection method: clinical testing. Allele origin: germline. Affected: yes.
Comment: This variant is considered likely benign or benign based on one or more of the following criteria: it is a conservative change, it occurs at a poorly conserved position in the protein, it is predicted to be benign by multiple in silico algorithms, and/or has population frequency not consistent with disease.

NM_018699.4(PRDM5):c.945+274G>C

Gene: PRDM5 (PR/SET domain 5; minus strand). Cytogenetic location: 4q27.
Variant type: single nucleotide variant.
Coding change: c.945+274G>C on transcript NM_018699.4 (MANE Select); 274 bases into the intron after coding-DNA position 945, G replaced by C.
Molecular consequence: intron variant.
Genome position (GRCh38, 1-based): chr4:120,811,096, C>G on the plus strand (G>C on the coding strand, the complement: PRDM5 is on the minus strand). VCF-style: chr4-120811096-C-G. GRCh37 (hg19) VCF-style: chr4-121732251-C-G.
Other names: c.852+274G>C (NM_001300824.2, NM_001379106.1, NM_001300823.2); c.945+274G>C (NM_001379104.1).
Identifiers: ClinVar variation 683708 (VCV000683708.1), dbSNP rs3789142, ClinGen allele CA16199105.